The following is an entry in ClinVar:

NM_004560.4(ROR2):c.2698G>A (p.Ala900Thr)

Gene: ROR2 (receptor tyrosine kinase like orphan receptor 2; minus strand). Cytogenetic location: 9q22.31.
Variant type: single nucleotide variant.
Coding change: c.2698G>A on transcript NM_004560.4 (MANE Select); coding-DNA position 2698, G replaced by A.
Protein change: p.Ala900Thr; replaces alanine 900 with threonine.
Molecular consequence: missense variant.
Genome position (GRCh38, 1-based): chr9:91,723,796, C>T on the plus strand (G>A on the coding strand, the complement: ROR2 is on the minus strand). VCF-style: chr9-91723796-C-T. GRCh37 (hg19) VCF-style: chr9-94486078-C-T.
Other names: short protein forms A900T.
Identifiers: ClinVar variation 1148887 (VCV001148887.12), dbSNP rs202213533, ClinGen allele CA5120330.
Genomic context (GRCh38, chr9:91,723,796, plus strand): 5'-CAGAGCCTTCCTCCTCCTCCTCTGCTTCCTGCACGGTGCTCTGGGCCCCATCTTCTGGGG[C>T]GTTCTGTGTGTCATCAGCGCCCTCTGAGAGCAGGGCTGCCCTGTCTGCCATGGATGTGTT-3'
Protein context (NP_004551.2, residues 890-910): LSEGADDTQN[Ala900Thr]PEDGAQSTVQ

ClinVar aggregate classification (germline): Conflicting classifications of pathogenicity. Review status: criteria provided, conflicting classifications (1 of 4 stars). 4 submissions from 4 submitters: Uncertain significance (3); Likely benign (1). Last evaluated 2025-08-30.

Conditions:
Brachydactyly type B1 (BDB1). Identifiers: Orphanet 572385, Orphanet 93383, MedGen C1862112, MONDO:0007220, OMIM 113000.
Autosomal recessive Robinow syndrome (RRS1). Also called: COSTOVERTEBRAL SEGMENTATION DEFECT WITH MESOMELIA; COVESDEM SYNDROME; ROBINOW SYNDROME, AUTOSOMAL RECESSIVE 1; ROR2-Related Robinow Syndrome. Identifiers: Orphanet 1507, Orphanet 97360, MedGen C5399974, MONDO:0009999, OMIM 268310.
Inborn genetic diseases. Identifiers: MedGen C0950123, MeSH D030342.

Allele frequency attached by ClinVar (database versions not stated): ESP Exome Variant Server 0.00015; gnomAD 0.00017; TOPMed 0.00034; 1000 Genomes Project 0.00040; 1000 Genomes Project 30x 0.00047.
gnomAD v4.1: 170 of 1,613,774 alleles (0.011%); highest among the groups gnomAD compares: Admixed American, 0.035%; no homozygotes.

Submissions (4):

Ambry Genetics
Classification: Uncertain significance for Inborn genetic diseases. Last evaluated: 2025-08-30. Review status: criteria provided, single submitter. Criteria: Ambry Variant Classification Scheme 2023. Collection method: clinical testing. Allele origin: germline.

Labcorp Genetics (formerly Invitae), Labcorp
Classification: Likely benign. Last evaluated: 2024-11-13. Review status: criteria provided, single submitter. Criteria: Invitae Variant Classification Sherloc (09022015). Collection method: clinical testing. Allele origin: germline.

Fulgent Genetics
Classification: Uncertain significance for Brachydactyly type B1; Autosomal recessive Robinow syndrome. Last evaluated: 2024-04-20. Review status: criteria provided, single submitter. Criteria: ACMG Guidelines, 2015. Collection method: clinical testing. Allele origin: germline.

GeneDx
Classification: Uncertain significance. Last evaluated: 2022-06-22. Review status: criteria provided, single submitter. Criteria: GeneDx Variant Classification Process June 2021. Collection method: clinical testing. Allele origin: germline. Affected: yes.
Comment: See Variant Classification Assertion Criteria.